The following is an entry in ClinVar:

ClinVar aggregate classification (germline): Uncertain significance (1 of 4 stars; one submission).

Submission:

Labcorp Genetics (formerly Invitae), Labcorp
Classification: Uncertain significance. Last evaluated: 2022-11-22. Review status: criteria provided, single submitter. Criteria: Invitae Variant Classification Sherloc (09022015). Collection method: clinical testing. Allele origin: germline.
Comment: In summary, the available evidence is currently insufficient to determine the role of this variant in disease. Therefore, it has been classified as a Variant of Uncertain Significance. Advanced modeling of protein sequence and biophysical properties (such as structural, functional, and spatial information, amino acid conservation, physicochemical variation, residue mobility, and thermodynamic stability) performed at Invitae indicates that this missense variant is expected to disrupt UBA5 protein function. ClinVar contains an entry for this variant (Variation ID: 1462479). This variant has not been reported in the literature in individuals affected with UBA5-related conditions. This variant is not present in population databases (gnomAD no frequency). This sequence change replaces serine, which is neutral and polar, with threonine, which is neutral and polar, at codon 208 of the UBA5 protein (p.Ser208Thr).

NM_024818.6(UBA5):c.623G>C (p.Ser208Thr)

Genes: NPHP3-ACAD11 (NPHP3-ACAD11 readthrough (NMD candidate); minus strand), UBA5 (ubiquitin like modifier activating enzyme 5; plus strand). Cytogenetic location: 3q22.1.
Variant type: single nucleotide variant.
Coding change: c.623G>C on transcript NM_024818.6 (MANE Select); coding-DNA position 623, G replaced by C.
Protein change: p.Ser208Thr; replaces serine 208 with threonine.
Molecular consequence: missense variant.
Genome position (GRCh38, 1-based): chr3:132,671,820, G>C. VCF-style: chr3-132671820-G-C. GRCh37 (hg19) VCF-style: chr3-132390664-G-C.
Other names: c.455G>C, p.Ser152Thr (NM_001320210.2, NM_198329.4); c.353G>C, p.Ser118Thr (NM_001321238.2); c.287G>C, p.Ser96Thr (NM_001321239.1); short protein forms S208T, S118T, S96T, S152T.
Identifiers: ClinVar variation 1462479 (VCV001462479.8), dbSNP rs1938618326, ClinGen allele CA354574151.